The following is an entry in ClinVar:

ClinVar aggregate classification (germline): Pathogenic (1 of 4 stars; one submission).

Submission:

Quest Diagnostics Nichols Institute San Juan Capistrano
Classification: Pathogenic. Last evaluated: 2023-07-08. Review status: criteria provided, single submitter. Criteria: Quest Diagnostics criteria. Collection method: clinical testing. Allele origin: unknown.
Comment: The HBB c.114del (p.Trp38*) variant (also known as CD 37 -G) causes the premature termination of HBB protein synthesis. This variant is associated with beta(0)-thalassemia (PMID: 9668567 (1998)). The same p.Trp38* premature termination caused by a different variant, c.114G>A, is also associated with beta(0)-thalassemia. Based on the available information, the c.114del (p.Trp38*) variant is classified as pathogenic.

Literature cited by the submitters: PubMed 9668567.

NM_000518.5(HBB):c.114del (p.Pro37_Trp38insTer)

Genes: HBB (hemoglobin subunit beta; minus strand), LOC106099062 (HBB recombination region; plus strand), LOC107133510 (origin of replication at HBB; plus strand). Cytogenetic location: 11p15.4.
Variant type: Deletion.
Coding change: c.114del on transcript NM_000518.5 (MANE Select); coding-DNA position 114, one base deleted (G; older notation c.114delG).
Protein change: p.Pro37_Trp38insTer.
Molecular consequence: nonsense.
Genome position (GRCh38, 1-based): chr11:5,226,778, C deleted on the plus strand (G on the coding strand, the reverse complement: HBB is on the minus strand); the first of 2 consecutive C bases (chr11:5,226,778-5,226,779); deleting either gives the same sequence. VCF-style (leftmost placement, unchanged base first): chr11-5226777-TC-T. GRCh37 (hg19) VCF-style: chr11-5248007-TC-T.
Identifiers: ClinVar variation 2681976 (VCV002681976.1), dbSNP rs281865474, ClinGen allele CA217114560.